The following is an entry in ClinVar:

NM_001160372.4(TRAPPC9):c.*532G>A

Gene: TRAPPC9 (trafficking protein particle complex subunit 9; minus strand). Cytogenetic location: 8q24.3.
Variant type: single nucleotide variant.
Coding change: c.*532G>A on transcript NM_001160372.4 (MANE Select); 532 bases downstream of the stop codon, G replaced by A.
Molecular consequence: 3 prime UTR variant. On other transcripts: non-coding transcript variant (1).
Genome position (GRCh38, 1-based): chr8:139,730,529, C>T on the plus strand (G>A on the coding strand, the complement: TRAPPC9 is on the minus strand). VCF-style: chr8-139730529-C-T. GRCh37 (hg19) VCF-style: chr8-140742772-C-T.
Other names: c.*532G>A (NM_001321646.2, NM_001374682.1, NM_001374683.1 and 2 more transcripts).
Identifiers: ClinVar variation 362052 (VCV000362052.35), dbSNP rs187594197, ClinGen allele CA10624897.

ClinVar aggregate classification (germline): Conflicting classifications of pathogenicity. Review status: criteria provided, conflicting classifications (1 of 4 stars). 2 submissions from 2 submitters: Uncertain significance (1); Benign (1). Last evaluated 2023-07-01.

Allele frequency attached by ClinVar (database versions not stated): 1000 Genomes Project 0.00180; 1000 Genomes Project 30x 0.00203; TOPMed 0.00643; gnomAD exomes 0.00849.
gnomAD v4.1: 1,043 of 159,044 alleles (0.66%); highest among the groups gnomAD compares: Non-Finnish European, 1%; 6 homozygotes.

Submissions (2):

CeGaT Center for Human Genetics Tuebingen
Classification: Benign. Last evaluated: 2023-07-01. Review status: criteria provided, single submitter. Criteria: CeGaT Center For Human Genetics Tuebingen Variant Classification Criteria Version 2. Collection method: clinical testing. Allele origin: germline. Affected: yes. Observed: 9 variant alleles.
Comment: TRAPPC9: BS1, BS2

Breakthrough Genomics
Classification: Uncertain significance. Review status: criteria provided, single submitter. Criteria: ACMG Guidelines, 2015. Collection method: not provided. Allele origin: germline. Inheritance: Autosomal recessive inheritance. Affected: yes.